The following is an entry in ClinVar:

ClinVar aggregate classification (germline): Likely benign (0 of 4 stars; one submission).

Conditions:
ATP2C2-related disorder. Also called: ATP2C2-related condition.

Allele frequency attached by ClinVar (database versions not stated): ExAC 0.00001; TOPMed 0.00003; gnomAD 0.00005.
gnomAD v4.1: 30 of 1,613,818 alleles (0.0019%); highest among the groups gnomAD compares: Middle Eastern, 0.033%; no homozygotes.

Submission:

PreventionGenetics, part of Exact Sciences
Classification: Likely benign for ATP2C2-related condition. Last evaluated: 2019-05-21. Review status: no assertion criteria provided. Collection method: clinical testing. Allele origin: germline.
Comment: This variant is classified as likely benign based on ACMG/AMP sequence variant interpretation guidelines (Richards et al. 2015 PMID: 25741868, with internal and published modifications).

NM_014861.4(ATP2C2):c.1632G>A (p.Glu544=)

Gene: ATP2C2 (ATPase secretory pathway Ca2+ transporting 2; plus strand). Cytogenetic location: 16q24.1.
Variant type: single nucleotide variant.
Coding change: c.1632G>A on transcript NM_014861.4 (MANE Select); coding-DNA position 1632, G replaced by A.
Protein change: p.Glu544=; no amino-acid change (glutamic acid 544 retained).
Molecular consequence: synonymous variant.
Genome position (GRCh38, 1-based): chr16:84,448,661, G>A. VCF-style: chr16-84448661-G-A. GRCh37 (hg19) VCF-style: chr16-84482267-G-A.
Other names: c.1632G>A, p.Glu544= (NM_001286527.3); c.1179G>A, p.Glu393= (NM_001291454.2).
Identifiers: ClinVar variation 3038599 (VCV003038599.2), dbSNP rs748001997, ClinGen allele CA8207487.